The following is an entry in ClinVar:

NM_001184880.2(PCDH19):c.1120T>C (p.Ser374Pro)

Gene: PCDH19 (protocadherin 19; minus strand). Cytogenetic location: Xq22.1.
Variant type: single nucleotide variant.
Coding change: c.1120T>C on transcript NM_001184880.2 (MANE Select); coding-DNA position 1120, T replaced by C.
Protein change: p.Ser374Pro; replaces serine 374 with proline.
Molecular consequence: missense variant.
Genome position (GRCh38, 1-based): chrX:100,407,478, A>G on the plus strand (T>C on the coding strand, the complement: PCDH19 is on the minus strand). VCF-style: chrX-100407478-A-G. GRCh37 (hg19) VCF-style: chrX-99662476-A-G.
Other names: c.1120T>C, p.Ser374Pro (NM_001105243.2, NM_020766.3); short protein forms S374P.
Identifiers: ClinVar variation 860615 (VCV000860615.10), dbSNP rs1928407939, ClinGen allele CA414004128.
Genomic context (GRCh38, chrX:100,407,478, plus strand): 5'-AGGGCACATTGCCCAGCAAACGGCACTGCACACGTCCATTGAGGCCTGAGTCGCGATCAG[A>G]CACCCGCACCAAGGCGATCACGTAGCCCGGGGGGGCGCTCTCGCTGACCTCCACAAGCTC-3'
Protein context (NP_001171809.1, residues 364-384): PGYVIALVRV[Ser374Pro]DRDSGLNGRV

ClinVar aggregate classification (germline): Pathogenic (1 of 4 stars; one submission).

Conditions:
Developmental and epileptic encephalopathy, 9 (DEE9). Also called: Early infantile epileptic encephalopathy 9; EPILEPSY, FEMALE-RESTRICTED, WITH MENTAL RETARDATION; JUBERG-HELLMAN SYNDROME; PCDH19-Related X-Linked Female-Limited Epilepsy with Mental Retardation. Identifiers: Orphanet 101039, Orphanet 2076, MedGen C1848137, MONDO:0010246, OMIM 300088. Disease mechanism: loss of function.

Submission:

Labcorp Genetics (formerly Invitae), Labcorp
Classification: Pathogenic for Developmental and epileptic encephalopathy, 9. Last evaluated: 2022-02-04. Review status: criteria provided, single submitter. Criteria: Invitae Variant Classification Sherloc (09022015). Collection method: clinical testing. Allele origin: germline.
Comment: For these reasons, this variant has been classified as Pathogenic. Advanced modeling of protein sequence and biophysical properties (such as structural, functional, and spatial information, amino acid conservation, physicochemical variation, residue mobility, and thermodynamic stability) performed at Invitae indicates that this missense variant is expected to disrupt PCDH19 protein function. ClinVar contains an entry for this variant (Variation ID: 860615). This missense change has been observed in individual(s) with clinical features of PCDH19-related conditions (Invitae). In at least one individual the variant was observed to be de novo. This variant is not present in population databases (gnomAD no frequency). This sequence change replaces serine, which is neutral and polar, with proline, which is neutral and non-polar, at codon 374 of the PCDH19 protein (p.Ser374Pro).